The following is an entry in ClinVar:

ClinVar aggregate classification (germline): Likely benign. Review status: criteria provided, multiple submitters, no conflicts (2 of 4 stars). 3 submissions from 3 submitters: Likely benign (2). 1 of the submissions does not count toward it. Last evaluated 2025-09-15.

Conditions:
Short-rib thoracic dysplasia 10 with or without polydactyly (SRTD10). Identifiers: Orphanet 474, MedGen C3810175, MONDO:0014284, OMIM 615630.
Retinitis pigmentosa 71 (RP71). Identifiers: Orphanet 791, MedGen C4225342, MONDO:0014618, OMIM 616394.
IFT172-related disorder. Also called: IFT172-related condition; IFT172-related disorders.

Allele frequency attached by ClinVar (database versions not stated): gnomAD exomes 0.00003 and 0.00007; gnomAD 0.00004 and 0.00005; TOPMed 0.00005; ExAC 0.00006.
gnomAD v4.1: 55 of 1,613,624 alleles (0.0034%); highest among the groups gnomAD compares: Non-Finnish European, 0.0042%; no homozygotes.

Submissions (3):

Labcorp Genetics (formerly Invitae), Labcorp
Classification: Likely benign for Retinitis pigmentosa 71; Short-rib thoracic dysplasia 10 with or without polydactyly. Last evaluated: 2025-09-15. Review status: criteria provided, single submitter. Criteria: Invitae Variant Classification Sherloc (09022015). Collection method: clinical testing. Allele origin: germline.

Blueprint Genetics
Classification: Likely benign. Last evaluated: 2020-09-19. Review status: criteria provided, single submitter. Criteria: ACMG Guidelines, 2015. Collection method: clinical testing. Allele origin: germline.

PreventionGenetics, part of Exact Sciences
Classification: Likely benign for IFT172-related condition. Last evaluated: 2021-02-04. Review status: no assertion criteria provided. Collection method: clinical testing. Allele origin: germline. Not counted in ClinVar's aggregate classification.
Comment: This variant is classified as likely benign based on ACMG/AMP sequence variant interpretation guidelines (Richards et al. 2015 PMID: 25741868, with internal and published modifications).

NM_015662.3(IFT172):c.2787+10A>G

Genes: IFT172 (intraflagellar transport 172; minus strand), LOC126806174 (CDK7 strongly-dependent group 2 enhancer GRCh37_chr2:27681686-27682885; plus strand). Cytogenetic location: 2p23.3.
Variant type: single nucleotide variant.
Coding change: c.2787+10A>G on transcript NM_015662.3 (MANE Select); 10 bases into the intron after coding-DNA position 2787, A replaced by G.
Molecular consequence: intron variant.
Genome position (GRCh38, 1-based): chr2:27,459,368, T>C on the plus strand (A>G on the coding strand, the complement: IFT172 is on the minus strand). VCF-style: chr2-27459368-T-C. GRCh37 (hg19) VCF-style: chr2-27682235-T-C.
Identifiers: ClinVar variation 784900 (VCV000784900.14), dbSNP rs199842476, ClinGen allele CA1580194.
Genomic context (GRCh38, chr2:27,459,368, plus strand): 5'-CTGCTTTGGGTTCTCTCATTGTTATCCTCTACTGCATTGCCTCGTGCTGCGGAAAGGGAC[T>C]CTTCCTCACCTCATACTCCTGCAGGGATGCATAGTGTTGGGCCACGAGAGGATAGTATTT-3'